The following is an entry in ClinVar:

ClinVar aggregate classification (germline): Uncertain significance (1 of 4 stars; one submission).

Conditions:
Familial cancer of breast. Also called: Hereditary breast cancer; hereditary breast carcinoma; BREAST CANCER, FAMILIAL. Identifiers: Orphanet 227535, MedGen C0346153, MONDO:0016419, OMIM 114480. Disease mechanism: loss of function.

Submission:

Labcorp Genetics (formerly Invitae), Labcorp
Classification: Uncertain significance for Familial cancer of breast. Last evaluated: 2024-07-22. Review status: criteria provided, single submitter. Criteria: Invitae Variant Classification Sherloc (09022015). Collection method: clinical testing. Allele origin: germline.
Comment: This sequence change replaces serine, which is neutral and polar, with leucine, which is neutral and non-polar, at codon 631 of the PALB2 protein (p.Ser631Leu). This variant is not present in population databases (gnomAD no frequency). This variant has not been reported in the literature in individuals affected with PALB2-related conditions. Advanced modeling of protein sequence and biophysical properties (such as structural, functional, and spatial information, amino acid conservation, physicochemical variation, residue mobility, and thermodynamic stability) performed at Invitae indicates that this missense variant is not expected to disrupt PALB2 protein function with a negative predictive value of 80%. In summary, the available evidence is currently insufficient to determine the role of this variant in disease. Therefore, it has been classified as a Variant of Uncertain Significance.

NM_024675.4(PALB2):c.1892C>T (p.Ser631Leu)

Gene: PALB2 (partner and localizer of BRCA2; minus strand). Cytogenetic location: 16p12.2.
Variant type: single nucleotide variant.
Coding change: c.1892C>T on transcript NM_024675.4 (MANE Select); coding-DNA position 1892, C replaced by T.
Protein change: p.Ser631Leu; replaces serine 631 with leucine.
Molecular consequence: missense variant. On other transcripts: intron variant (1).
Genome position (GRCh38, 1-based): chr16:23,630,262, G>A on the plus strand (C>T on the coding strand, the complement: PALB2 is on the minus strand). VCF-style: chr16-23630262-G-A. GRCh37 (hg19) VCF-style: chr16-23641583-G-A.
Other names: c.1832C>T, p.Ser611Leu (NM_001407296.1); c.1892C>T, p.Ser631Leu (NM_001407297.1, NM_001407298.1, NM_001407299.1 and 3 more transcripts); c.1007C>T, p.Ser336Leu (NM_001407304.1, NM_001407305.1, NM_001407306.1 and 5 more transcripts); c.104C>T, p.Ser35Leu (NM_001407312.1, NM_001407313.1); c.49-987C>T (NM_001407314.1); short protein forms S611L, S631L, S336L, S35L.
Identifiers: ClinVar variation 3660141 (VCV003660141.2).